The following is an entry in ClinVar:

NM_000883.4(IMPDH1):c.189A>G (p.Ser63=)

Gene: IMPDH1 (inosine monophosphate dehydrogenase 1; minus strand). Cytogenetic location: 7q32.1.
Variant type: single nucleotide variant.
Coding change: c.189A>G on transcript NM_000883.4 (MANE Select); coding-DNA position 189, A replaced by G.
Protein change: p.Ser63=; no amino-acid change (serine 63 retained).
Molecular consequence: synonymous variant. On other transcripts: intron variant (3).
Genome position (GRCh38, 1-based): chr7:128,409,442, T>C on the plus strand (A>G on the coding strand, the complement: IMPDH1 is on the minus strand). VCF-style: chr7-128409442-T-C. GRCh37 (hg19) VCF-style: chr7-128049496-T-C.
Other names: c.189A>G, p.Ser63= (NM_001142576.2); c.146+314A>G (NM_001304521.2, NM_183243.3); c.147-76A>G (NM_001102605.2).
Identifiers: ClinVar variation 767199 (VCV000767199.41), dbSNP rs143796089, ClinGen allele CA4471256.

ClinVar aggregate classification (germline): Conflicting classifications of pathogenicity. Review status: criteria provided, conflicting classifications (1 of 4 stars). 6 submissions from 5 submitters: Uncertain significance (1); Likely benign (4). 1 of the submissions does not count toward it. Last evaluated 2026-01-26.

Conditions:
Leber congenital amaurosis 11 (LCA11). Identifiers: Orphanet 65, MedGen C1840284, MONDO:0013454, OMIM 613837.
IMPDH1-related disorder. Also called: IMPDH1-related condition; IMPDH1-related disorders.
Retinitis pigmentosa (RP). Identifiers: Orphanet 791, MedGen C0035334, MeSH D012174, MONDO:0019200, OMIM 268000. Inheritance: Autosomal dominant, autosomal recessive and X linked inheritance.

Allele frequency attached by ClinVar (database versions not stated): 1000 Genomes Project 30x 0.00016; 1000 Genomes Project 0.00020; ExAC 0.00046; gnomAD exomes 0.00056 and 0.00086; gnomAD 0.00060 and 0.00063; TOPMed 0.00061; ESP Exome Variant Server 0.00069.

Submissions (9):

Labcorp Genetics (formerly Invitae), Labcorp
Classification: Likely benign. Last evaluated: 2026-01-26. Review status: criteria provided, single submitter. Criteria: Invitae Variant Classification Sherloc (09022015). Collection method: clinical testing. Allele origin: germline.

Blueprint Genetics
Classification: Likely benign. Last evaluated: 2024-10-15. Review status: criteria provided, single submitter. Criteria: ACMG Guidelines, 2015. Collection method: clinical testing. Allele origin: germline.

CeGaT Center for Human Genetics Tuebingen
Classification: Likely benign. Last evaluated: 2023-09-01. Review status: criteria provided, single submitter. Criteria: CeGaT Center For Human Genetics Tuebingen Variant Classification Criteria Version 2. Collection method: clinical testing. Allele origin: germline. Affected: yes. Observed: 1 variant allele.
Comment: IMPDH1: BP4, BP7

Illumina Laboratory Services, Illumina
Classification: Likely benign for Retinitis pigmentosa. Last evaluated: 2018-01-12. Review status: criteria provided, single submitter. Criteria: ICSL Variant Classification Criteria 13 December 2019. Collection method: clinical testing. Allele origin: germline.
Comment: This variant was observed in the ICSL laboratory as part of a predisposition screen in an ostensibly healthy population. It had not been previously curated by ICSL or reported in the Human Gene Mutation Database (HGMD: prior to June 1st, 2018), and was therefore a candidate for classification through an automated scoring system. Utilizing variant allele frequency, disease prevalence and penetrance estimates, and inheritance mode, an automated score was calculated to assess if this variant is too frequent to cause the disease. Based on the score and internal cut-off values, a variant classified as likely benign is not then subjected to further curation. The score for this variant resulted in a classification of likely benign for this disease.

Illumina Laboratory Services, Illumina
Classification: Uncertain significance for Leber congenital amaurosis 11. Last evaluated: 2018-01-12. Review status: criteria provided, single submitter. Criteria: ICSL Variant Classification Criteria 13 December 2019. Collection method: clinical testing. Allele origin: germline.

PreventionGenetics, part of Exact Sciences
Classification: Likely benign for IMPDH1-related condition. Last evaluated: 2024-09-03. Review status: no assertion criteria provided. Collection method: clinical testing. Allele origin: germline. Not counted in ClinVar's aggregate classification.
Comment: This variant is classified as likely benign based on ACMG/AMP sequence variant interpretation guidelines (Richards et al. 2015 PMID: 25741868, with internal and published modifications).

Dr. Peter K. Rogan Lab, Western University
No classification provided (evidence only). Condition: Familial cancer of breast. Review status: no classification provided. Collection method: in vitro. Allele origin: not applicable. Functional consequence: retained intron. Not counted in ClinVar's aggregate classification.

Dr. Peter K. Rogan Lab, Western University
No classification provided (evidence only). Condition: Familial cancer of breast. Review status: no classification provided. Collection method: in vitro. Allele origin: not applicable. Functional consequence: retained intron. Not counted in ClinVar's aggregate classification.

Dr. Peter K. Rogan Lab, Western University
No classification provided (evidence only). Condition: Thyroid cancer, nonmedullary, 1. Review status: no classification provided. Collection method: in vitro. Allele origin: not applicable. Functional consequence: retained intron. Not counted in ClinVar's aggregate classification.